The following is an entry in ClinVar:

ClinVar aggregate classification (germline): Likely benign (1 of 4 stars; one submission).

gnomAD v4.1: 71 of 1,614,146 alleles (0.0044%); highest among the groups gnomAD compares: Middle Eastern, 0.082%; 1 homozygote.

Submission:

CeGaT Center for Human Genetics Tuebingen
Classification: Likely benign. Last evaluated: 2026-07-01. Review status: criteria provided, single submitter. Criteria: CeGaT Center For Human Genetics Tuebingen Variant Classification Criteria Version 2. Collection method: clinical testing. Allele origin: germline. Affected: yes. Observed: 1 variant allele.
Comment: SPTBN1: BP4, BP7

NM_003128.3(SPTBN1):c.6891A>G (p.Thr2297=)

Genes: SPTBN1 (spectrin beta, non-erythrocytic 1; plus strand), SPTBN1-AS2 (SPTBN1 antisense RNA 2; minus strand). Cytogenetic location: 2p16.2.
Variant type: single nucleotide variant.
Coding change: c.6891A>G on transcript NM_003128.3 (MANE Select); coding-DNA position 6891, A replaced by G.
Protein change: p.Thr2297=; no amino-acid change (threonine 2297 retained).
Molecular consequence: synonymous variant.
Genome position (GRCh38, 1-based): chr2:54,668,365, A>G. VCF-style: chr2-54668365-A-G. GRCh37 (hg19) VCF-style: chr2-54895502-A-G.
Identifiers: ClinVar variation 5038618 (VCV005038618.1).
Genomic context (GRCh38, chr2:54,668,365, plus strand): 5'-TGCCTACTCTTAGTTGAGTCTCACCTGTGTCCCTTCCTCTGTCCAGGAGGAAATGAACAC[A>G]TGGATCCAGGCTATCTCTTCCGCCATCTCCTCTGATAAACACGAGGTGTCTGCCAGCACC-3'
Protein context (NP_003119.2, residues 2287-2307): FQAKDDEEMN[Thr2297=]WIQAISSAIS